The following is an entry in ClinVar:

ClinVar aggregate classification (germline): Uncertain significance. Review status: criteria provided, multiple submitters, no conflicts (2 of 4 stars). 2 submissions from 2 submitters: Uncertain significance (2). Last evaluated 2025-02-24.

Allele frequency attached by ClinVar (database versions not stated): gnomAD exomes below 0.00001.

Submissions (2):

Labcorp Genetics (formerly Invitae), Labcorp
Classification: Uncertain significance. Last evaluated: 2025-02-24. Review status: criteria provided, single submitter. Criteria: Invitae Variant Classification Sherloc (09022015). Collection method: clinical testing. Allele origin: germline.
Comment: This sequence change replaces alanine, which is neutral and non-polar, with valine, which is neutral and non-polar, at codon 244 of the RFWD3 protein (p.Ala244Val). This variant is not present in population databases (gnomAD no frequency). This variant has not been reported in the literature in individuals affected with RFWD3-related conditions. ClinVar contains an entry for this variant (Variation ID: 2129848). An algorithm developed to predict the effect of missense changes on protein structure and function (PolyPhen-2) suggests that this variant is likely to be tolerated. In summary, the available evidence is currently insufficient to determine the role of this variant in disease. Therefore, it has been classified as a Variant of Uncertain Significance.

Ambry Genetics
Classification: Uncertain significance. Last evaluated: 2022-02-03. Review status: criteria provided, single submitter. Criteria: Ambry Variant Classification Scheme 2023. Collection method: clinical testing. Allele origin: germline.

NM_018124.4(RFWD3):c.731C>T (p.Ala244Val)

Gene: RFWD3 (ring finger and WD repeat domain 3; minus strand). Cytogenetic location: 16q23.1.
Variant type: single nucleotide variant.
Coding change: c.731C>T on transcript NM_018124.4 (MANE Select); coding-DNA position 731, C replaced by T.
Protein change: p.Ala244Val; replaces alanine 244 with valine.
Molecular consequence: missense variant. On other transcripts: 5 prime UTR variant (3), intron variant (2).
Genome position (GRCh38, 1-based): chr16:74,649,193, G>A on the plus strand (C>T on the coding strand, the complement: RFWD3 is on the minus strand). VCF-style: chr16-74649193-G-A. GRCh37 (hg19) VCF-style: chr16-74683091-G-A.
Other names: c.731C>T, p.Ala244Val (NM_001370534.1, NM_001370535.1, NM_001370536.1); c.-278C>T (NM_001370537.1); c.-104C>T (NM_001370539.1, NM_001370540.1, NM_001370541.1); c.-43+2727C>T (NM_001370543.1); c.-164-115C>T (NM_001370542.1); short protein forms A244V.
Identifiers: ClinVar variation 2129848 (VCV002129848.5), dbSNP rs1243442343, ClinGen allele CA396763272.